The following is an entry in ClinVar:

NM_005529.7(HSPG2):c.11077C>T (p.Arg3693Trp)

Gene: HSPG2 (heparan sulfate proteoglycan 2; minus strand). Cytogenetic location: 1p36.12.
Variant type: single nucleotide variant.
Coding change: c.11077C>T on transcript NM_005529.7 (MANE Select); coding-DNA position 11077, C replaced by T.
Protein change: p.Arg3693Trp; replaces arginine 3693 with tryptophan.
Molecular consequence: missense variant.
Genome position (GRCh38, 1-based): chr1:21,833,286, G>A on the plus strand (C>T on the coding strand, the complement: HSPG2 is on the minus strand). VCF-style: chr1-21833286-G-A. GRCh37 (hg19) VCF-style: chr1-22159779-G-A.
Other names: c.11080C>T, p.Arg3694Trp (NM_001291860.2); short protein forms R3693W, R3694W.
Identifiers: ClinVar variation 876667 (VCV000876667.24), dbSNP rs146286188, ClinGen allele CA669940.

ClinVar aggregate classification (germline): Uncertain significance. Review status: criteria provided, multiple submitters, no conflicts (2 of 4 stars). 9 submissions from 8 submitters: Uncertain significance (9). Last evaluated 2026-01-19.

Conditions:
Schwartz-Jampel syndrome type 1 (SJS1). Also called: MYOTONIC MYOPATHY, DWARFISM, CHONDRODYSTROPHY, AND OCULAR AND FACIAL ABNORMALITIES; CHONDRODYSTROPHIC MYOTONIA. Identifiers: MedGen C4551479, MONDO:0100435, OMIM 255800.
Lethal Kniest-like syndrome (DDSH). Also called: Dyssegmental Dysplasia. Identifiers: Orphanet 1865, MedGen C1857100, MONDO:0009140, OMIM 224410.
Schwartz-Jampel syndrome. Also called: Myotonic myopathy dwarfism chondrodystrophy and ocular and facial abnormalities. Identifiers: Orphanet 800, MedGen C0036391, MONDO:0009717.
Inborn genetic diseases. Identifiers: MedGen C0950123, MeSH D030342.

Allele frequency attached by ClinVar (database versions not stated): gnomAD 0.00025 and 0.00028; ESP Exome Variant Server 0.00031; gnomAD exomes 0.00014 and 0.00015; ExAC 0.00019; TOPMed 0.00021.
gnomAD v4.1: 262 of 1,613,902 alleles (0.016%); highest among the groups gnomAD compares: African/African-American, 0.052%; no homozygotes.

Submissions (9):

Labcorp Genetics (formerly Invitae), Labcorp
Classification: Uncertain significance. Last evaluated: 2026-01-19. Review status: criteria provided, single submitter. Criteria: Invitae Variant Classification Sherloc (09022015). Collection method: clinical testing. Allele origin: germline.
Comment: This sequence change replaces arginine, which is basic and polar, with tryptophan, which is neutral and slightly polar, at codon 3693 of the HSPG2 protein (p.Arg3693Trp). This variant is present in population databases (rs146286188, gnomAD 0.06%). This variant has not been reported in the literature in individuals affected with HSPG2-related conditions. ClinVar contains an entry for this variant (Variation ID: 876667). An algorithm developed to predict the effect of missense changes on protein structure and function (PolyPhen-2) suggests that this variant is likely to be disruptive. In summary, the available evidence is currently insufficient to determine the role of this variant in disease. Therefore, it has been classified as a Variant of Uncertain Significance.

GeneDx
Classification: Uncertain significance. Last evaluated: 2025-06-10. Review status: criteria provided, single submitter. Criteria: GeneDx Variant Classification Process June 2021. Collection method: clinical testing. Allele origin: germline. Affected: yes.
Comment: In silico analysis supports that this missense variant has a deleterious effect on protein structure/function; Has not been previously published as pathogenic or benign to our knowledge

Ambry Genetics
Classification: Uncertain significance for Inborn genetic diseases. Last evaluated: 2024-12-28. Review status: criteria provided, single submitter. Criteria: Ambry Variant Classification Scheme 2023. Collection method: clinical testing. Allele origin: germline.

Blueprint Genetics
Classification: Uncertain significance. Last evaluated: 2024-09-24. Review status: criteria provided, single submitter. Criteria: ACMG Guidelines, 2015. Collection method: clinical testing. Allele origin: germline.

Institute of Human Genetics, University of Leipzig Medical Center
Classification: Uncertain significance for Schwartz-Jampel syndrome type 1. Last evaluated: 2023-01-04. Review status: criteria provided, single submitter. Criteria: ACMG Guidelines, 2015. Collection method: clinical testing. Allele origin: unknown. Affected: yes.
Comment: This variant was identified as homozygous._x000D_ Criteria applied: PM2_SUP, PM3_SUP, PP3

Revvity Omics, Revvity
Classification: Uncertain significance. Last evaluated: 2020-03-25. Review status: criteria provided, single submitter. Criteria: ACMG Guidelines, 2015. Collection method: clinical testing. Allele origin: germline.

ARUP Laboratories, Molecular Genetics and Genomics, ARUP Laboratories
Classification: Uncertain significance. Last evaluated: 2019-09-25. Review status: criteria provided, single submitter. Criteria: ARUP Molecular Germline Variant Investigation Process. Collection method: clinical testing. Allele origin: germline.
Comment: The HSPG2 c.11077C>T; p.Arg3693Trp variant (rs146286188), to our knowledge, is not reported in the medical literature or gene-specific databases. This variant is found in the African population with an overall allele frequency of 0.06% (16/24956 alleles) in the Genome Aggregation Database. The arginine at codon 3693 is moderately conserved, and computational analyses (SIFT, PolyPhen-2) predict that this variant is deleterious. However, due to limited information, the clinical significance of the p.Arg3693Trp variant is uncertain at this time.

Illumina Laboratory Services, Illumina
Classification: Uncertain significance for Schwartz-Jampel syndrome type 1. Last evaluated: 2018-01-13. Review status: criteria provided, single submitter. Criteria: ICSL Variant Classification Criteria 13 December 2019. Collection method: clinical testing. Allele origin: germline.

Illumina Laboratory Services, Illumina
Classification: Uncertain significance for Lethal Kniest-like syndrome. Last evaluated: 2018-01-13. Review status: criteria provided, single submitter. Criteria: ICSL Variant Classification Criteria 13 December 2019. Collection method: clinical testing. Allele origin: germline.